The following is an entry in ClinVar:

NM_000370.3(TTPA):c.599C>T (p.Pro200Leu)

Gene: TTPA (alpha tocopherol transfer protein; minus strand). Cytogenetic location: 8q12.3.
Variant type: single nucleotide variant.
Coding change: c.599C>T on transcript NM_000370.3 (MANE Select); coding-DNA position 599, C replaced by T.
Protein change: p.Pro200Leu; replaces proline 200 with leucine.
Molecular consequence: missense variant.
Genome position (GRCh38, 1-based): chr8:63,064,270, G>A on the plus strand (C>T on the coding strand, the complement: TTPA is on the minus strand). VCF-style: chr8-63064270-G-A. GRCh37 (hg19) VCF-style: chr8-63976829-G-A.
Other names: c.251C>T, p.Pro84Leu (NM_001413414.1); c.599C>T, p.Pro200Leu (NM_001413416.1); c.716C>T, p.Pro239Leu (NM_001413418.1); short protein forms P200L, P239L, P84L.
Identifiers: ClinVar variation 1939043 (VCV001939043.2), dbSNP rs1412094773, ClinGen allele CA371332162.
Genomic context (GRCh38, chr8:63,064,270, plus strand): 5'-TCCTTAATTTTTTCAGTCAGGAATGGTTTGATCATGGAAAAGACAGCATGGAAAATTACT[G>A]GTTCATTTATCAAATGGATGCCACGAACTTTCAATGGAAATGAATCCTTTTGAAAATAAA-3'
Protein context (NP_000361.1, residues 190-210): KVRGIHLINE[Pro200Leu]VIFHAVFSMI

ClinVar aggregate classification (germline): Uncertain significance (1 of 4 stars; one submission).

Allele frequency attached by ClinVar (database versions not stated): TOPMed below 0.00001; gnomAD 0.00001.
gnomAD v4.1: 2 of 1,612,804 alleles (0.00012%); highest among the groups gnomAD compares: African/African-American, 0.0027%; no homozygotes.

Submission:

Labcorp Genetics (formerly Invitae), Labcorp
Classification: Uncertain significance. Last evaluated: 2022-07-06. Review status: criteria provided, single submitter. Criteria: Invitae Variant Classification Sherloc (09022015). Collection method: clinical testing. Allele origin: germline.
Comment: This sequence change replaces proline, which is neutral and non-polar, with leucine, which is neutral and non-polar, at codon 200 of the TTPA protein (p.Pro200Leu). This variant is not present in population databases (gnomAD no frequency). This variant has not been reported in the literature in individuals affected with TTPA-related conditions. Algorithms developed to predict the effect of missense changes on protein structure and function (SIFT, PolyPhen-2, Align-GVGD) all suggest that this variant is likely to be disruptive. In summary, the available evidence is currently insufficient to determine the role of this variant in disease. Therefore, it has been classified as a Variant of Uncertain Significance.